The following is an entry in ClinVar:

NM_002519.3(NPAT):c.2601_2602delinsCT (p.Ile868Leu)

Gene: NPAT (nuclear protein, coactivator of histone transcription; minus strand). Cytogenetic location: 11q22.3.
Variant type: Indel.
Coding change: c.2601_2602delinsCT on transcript NM_002519.3 (MANE Select); coding-DNA positions 2601 to 2602, GA replaced by CT.
Protein change: p.Ile868Leu; replaces isoleucine 868 with leucine.
Molecular consequence: missense variant.
Genome position (GRCh38, 1-based): chr11:108,172,382-108,172,383, TC replaced by AG on the plus strand (GA replaced by CT on the coding strand, the reverse complement: NPAT is on the minus strand). VCF-style: chr11-108172382-TC-AG. GRCh37 (hg19) VCF-style: chr11-108043109-TC-AG.
Other names: c.2601_2602delinsCT, p.Ile868Leu (NM_001321307.1); short protein forms I868L.
Identifiers: ClinVar variation 2980578 (VCV002980578.3), dbSNP rs2496716653, ClinGen allele CA2740093195.

ClinVar aggregate classification (germline): Uncertain significance (1 of 4 stars; one submission).

Submission:

Labcorp Genetics (formerly Invitae), Labcorp
Classification: Uncertain significance. Last evaluated: 2023-07-25. Review status: criteria provided, single submitter. Criteria: Invitae Variant Classification Sherloc (09022015). Collection method: clinical testing. Allele origin: germline.
Comment: In summary, the available evidence is currently insufficient to determine the role of this variant in disease. Therefore, it has been classified as a Variant of Uncertain Significance. Experimental studies and prediction algorithms are not available or were not evaluated, and the functional significance of this variant is currently unknown. This variant has not been reported in the literature in individuals affected with NPAT-related conditions. Information on the frequency of this variant in the gnomAD database is not available, as this variant may be reported differently in the database. This sequence change replaces isoleucine, which is neutral and non-polar, with leucine, which is neutral and non-polar, at codon 868 of the NPAT protein (p.Ile868Leu).